The following is an entry in ClinVar:

NM_000283.4(PDE6B):c.1951C>G (p.Arg651Gly)

Gene: PDE6B (phosphodiesterase 6B; plus strand). Cytogenetic location: 4p16.3.
Variant type: single nucleotide variant.
Coding change: c.1951C>G on transcript NM_000283.4 (MANE Select); coding-DNA position 1951, C replaced by G.
Protein change: p.Arg651Gly; replaces arginine 651 with glycine.
Molecular consequence: missense variant.
Genome position (GRCh38, 1-based): chr4:663,800, C>G. VCF-style: chr4-663800-C-G. GRCh37 (hg19) VCF-style: chr4-657589-C-G.
Other names: c.1951C>G, p.Arg651Gly (NM_001145291.2); c.1114C>G, p.Arg372Gly (NM_001145292.2, NM_001350154.3, NM_001379246.1 and 1 more transcripts); c.796C>G, p.Arg266Gly (NM_001350155.3); short protein forms R266G, R372G, R651G.
Identifiers: ClinVar variation 1718096 (VCV001718096.5), dbSNP rs761630795, ClinGen allele CA2794789.

ClinVar aggregate classification (germline): Uncertain significance (1 of 4 stars; one submission).

Allele frequency attached by ClinVar (database versions not stated): ExAC 0.00001.
gnomAD v4.1: 12 of 1,612,046 alleles (0.00074%); highest among the groups gnomAD compares: African/African-American, 0.0027%; no homozygotes.

Submission:

Labcorp Genetics (formerly Invitae), Labcorp
Classification: Uncertain significance. Last evaluated: 2022-08-27. Review status: criteria provided, single submitter. Criteria: Invitae Variant Classification Sherloc (09022015). Collection method: clinical testing. Allele origin: germline.
Comment: This sequence change replaces arginine, which is basic and polar, with glycine, which is neutral and non-polar, at codon 651 of the PDE6B protein (p.Arg651Gly). In summary, the available evidence is currently insufficient to determine the role of this variant in disease. Therefore, it has been classified as a Variant of Uncertain Significance. This variant is present in population databases (rs761630795, gnomAD 0.004%). Algorithms developed to predict the effect of missense changes on protein structure and function are either unavailable or do not agree on the potential impact of this missense change (SIFT: "Deleterious"; PolyPhen-2: "Benign"; Align-GVGD: "Class C45"). This variant has not been reported in the literature in individuals affected with PDE6B-related conditions.